The following is an entry in ClinVar:

ClinVar aggregate classification (germline): Benign/Likely benign. Review status: criteria provided, multiple submitters, no conflicts (2 of 4 stars). 18 submissions from 15 submitters: Benign (8); Likely benign (6). 4 of the submissions do not count toward it. Last evaluated 2026-10-01.

Conditions:
Charcot-Marie-Tooth disease axonal type 2X. Also called: CHARCOT-MARIE-TOOTH DISEASE, AXONAL, AUTOSOMAL RECESSIVE, TYPE 2X; CHARCOT-MARIE-TOOTH NEUROPATHY, TYPE 2X. Identifiers: Orphanet 466775, MedGen C5569024, MONDO:0014726, OMIM 616668.
Amyotrophic lateral sclerosis type 5 (ALS5). Also called: AMYOTROPHIC LATERAL SCLEROSIS 5, JUVENILE. Identifiers: Orphanet 300605, MedGen C1865864, MONDO:0011196, OMIM 602099.
Hereditary spastic paraplegia. Also called: Familial spastic paraparesis. Identifiers: Orphanet 685, MedGen C0037773, MONDO:0019064. Disease mechanism: loss of function.
Hereditary spastic paraplegia 11. Also called: SPASTIC PARAPLEGIA, AUTOSOMAL RECESSIVE, COMPLICATED, WITH THIN CORPUS CALLOSUM; SPASTIC PARAPLEGIA, AUTOSOMAL RECESSIVE, WITH MENTAL IMPAIRMENT AND THIN CORPUS CALLOSUM; Spastic Paraplegia 11; Nakamura Osame syndrome; Autosomal recessive hereditary spastic paraplegia, mental impairment, and thin corpus callosum; Spastic paraplegia, mental retardation and thin corpus callosum. Identifiers: Orphanet 2822, MedGen C1858479, MONDO:0011445, OMIM 604360.

Allele frequency attached by ClinVar (database versions not stated): 1000 Genomes Project 0.00339; 1000 Genomes Project 30x 0.00375; TOPMed 0.00851; ESP Exome Variant Server 0.00970; gnomAD 0.01240 and 0.01302; ExAC 0.01253; gnomAD exomes 0.01286 and 0.01341.
gnomAD v4.1: 21,340 of 1,613,566 alleles (1.3%); highest among the groups gnomAD compares: Non-Finnish European, 1.4%; 214 homozygotes.

Submissions (18):

CeGaT Center for Human Genetics Tuebingen
Classification: Benign. Last evaluated: 2026-10-01. Review status: criteria provided, single submitter. Criteria: CeGaT Center For Human Genetics Tuebingen Variant Classification Criteria Version 2. Collection method: clinical testing. Allele origin: germline. Affected: yes. Observed: 175 variant alleles.
Comment: SPG11: BS1, BS2

Labcorp Genetics (formerly Invitae), Labcorp
Classification: Benign for Hereditary spastic paraplegia 11. Last evaluated: 2026-02-04. Review status: criteria provided, single submitter. Criteria: Invitae Variant Classification Sherloc (09022015). Collection method: clinical testing. Allele origin: germline.

Blueprint Genetics
Classification: Likely benign. Last evaluated: 2024-11-27. Review status: criteria provided, single submitter. Criteria: ACMG Guidelines, 2015. Collection method: clinical testing. Allele origin: germline.

Women's Health and Genetics/Laboratory Corporation of America, LabCorp
Classification: Likely benign. Last evaluated: 2021-12-10. Review status: criteria provided, single submitter. Criteria: LabCorp Variant Classification Summary - May 2015. Collection method: clinical testing. Allele origin: germline.

Genome Diagnostics Laboratory, The Hospital for Sick Children
Classification: Benign for Hereditary spastic paraplegia. Last evaluated: 2021-02-21. Review status: criteria provided, single submitter. Criteria: ACMG Guidelines, 2015. Collection method: clinical testing. Allele origin: germline. Affected: yes.

Athena Diagnostics
Classification: Benign. Last evaluated: 2017-07-31. Review status: criteria provided, single submitter. Criteria: Athena Diagnostics Criteria. Collection method: clinical testing. Allele origin: germline.

Illumina Laboratory Services, Illumina
Classification: Benign for Hereditary spastic paraplegia 11. Last evaluated: 2017-04-27. Review status: criteria provided, single submitter. Criteria: ICSL Variant Classification Criteria 13 December 2019. Collection method: clinical testing. Allele origin: germline.
Comment: This variant was observed as part of a predisposition screen in an ostensibly healthy population. A literature search was performed for the gene, cDNA change, and amino acid change (where applicable). Publications were found based on this search. The evidence from the literature, in combination with allele frequency data from public databases where available, was sufficient to rule this variant out of causing disease. Therefore, this variant is classified as benign.

Mayo Clinic Laboratories, Mayo Clinic
Classification: Benign. Last evaluated: 2016-05-26. Review status: criteria provided, single submitter. Criteria: ACMG Guidelines, 2015. Collection method: clinical testing. Allele origin: germline. Observed: 76 variant alleles.

GeneDx
Classification: Benign. Last evaluated: 2015-03-03. Review status: criteria provided, single submitter. Criteria: GeneDx Variant Classification Process June 2021. Collection method: clinical testing. Allele origin: germline. Affected: yes.
Comment: This variant is associated with the following publications: (PMID: 25174650, 27957547)

Genome Diagnostics Laboratory, University Medical Center Utrecht
Classification: Benign for Hereditary spastic paraplegia 11. Last evaluated: 2014-12-15. Review status: criteria provided, single submitter. Criteria: ACGS Guidelines, 2013. Collection method: clinical testing. Allele origin: germline. Affected: yes. Study: VKGL Data-share Consensus.

Breakthrough Genomics
Classification: Likely benign. Review status: criteria provided, single submitter. Criteria: ACMG Guidelines, 2015. Collection method: not provided. Allele origin: germline. Inheritance: Autosomal recessive inheritance. Affected: yes.

Genome-Nilou Lab
Classification: Likely benign for Amyotrophic lateral sclerosis type 5. Review status: criteria provided, single submitter. Criteria: ACMG Guidelines, 2015. Collection method: clinical testing. Allele origin: germline.

Genome-Nilou Lab
Classification: Likely benign for Charcot-Marie-Tooth disease axonal type 2X. Review status: criteria provided, single submitter. Criteria: ACMG Guidelines, 2015. Collection method: clinical testing. Allele origin: germline.

Genome-Nilou Lab
Classification: Likely benign for Hereditary spastic paraplegia 11. Review status: criteria provided, single submitter. Criteria: ACMG Guidelines, 2015. Collection method: clinical testing. Allele origin: germline.

Genome Diagnostics Laboratory, Amsterdam University Medical Center
Classification: Likely benign for Hereditary spastic paraplegia 11. Last evaluated: 2016-07-15. Review status: no assertion criteria provided. Criteria: ACGS Guidelines, 2013. Collection method: clinical testing. Allele origin: germline. Affected: yes. Study: VKGL Data-share Consensus. Not counted in ClinVar's aggregate classification.

Clinical Genetics, Academic Medical Center
Classification: Benign. Review status: no assertion criteria provided. Collection method: clinical testing. Allele origin: germline. Affected: yes. Study: VKGL Data-share Consensus. Not counted in ClinVar's aggregate classification.

Diagnostic Laboratory, Department of Genetics, University Medical Center Groningen
Classification: Benign for Hereditary spastic paraplegia 11. Review status: no assertion criteria provided. Collection method: clinical testing. Allele origin: germline. Affected: yes. Study: VKGL Data-share Consensus. Not counted in ClinVar's aggregate classification.

Genome Diagnostics Laboratory, Amsterdam University Medical Center
Classification: Benign. Review status: no assertion criteria provided. Collection method: clinical testing. Allele origin: germline. Affected: yes. Study: VKGL Data-share Consensus. Not counted in ClinVar's aggregate classification.

Literature cited by the submitters: PubMed 27957547 (cited by Athena Diagnostics); PubMed 25174650 (cited by Athena Diagnostics and Illumina Laboratory Services, Illumina); PubMed 19196735 (cited by Athena Diagnostics); PubMed 24833714 (cited by Illumina Laboratory Services, Illumina); PubMed 25588603 (cited by Illumina Laboratory Services, Illumina).

NM_025137.4(SPG11):c.2083G>A (p.Ala695Thr)

Gene: SPG11 (SPG11 vesicle trafficking associated, spatacsin; minus strand). Cytogenetic location: 15q21.1.
Variant type: single nucleotide variant.
Coding change: c.2083G>A on transcript NM_025137.4 (MANE Select); coding-DNA position 2083, G replaced by A.
Protein change: p.Ala695Thr; replaces alanine 695 with threonine.
Molecular consequence: missense variant.
Genome position (GRCh38, 1-based): chr15:44,626,492, C>T on the plus strand (G>A on the coding strand, the complement: SPG11 is on the minus strand). VCF-style: chr15-44626492-C-T. GRCh37 (hg19) VCF-style: chr15-44918690-C-T.
Other names: c.2083G>A, p.Ala695Thr (NM_001160227.2); short protein forms A695T.
Identifiers: ClinVar variation 220566 (VCV000220566.58), dbSNP rs78183930, ClinGen allele CA348857.